The following is an entry in ClinVar:

NM_000562.3(C8A):c.669T>C (p.Thr223=)

Gene: C8A (complement C8 alpha chain; plus strand). Cytogenetic location: 1p32.2.
Variant type: single nucleotide variant.
Coding change: c.669T>C on transcript NM_000562.3 (MANE Select); coding-DNA position 669, T replaced by C.
Protein change: p.Thr223=; no amino-acid change (threonine 223 retained).
Molecular consequence: synonymous variant.
Genome position (GRCh38, 1-based): chr1:56,883,495, T>C. VCF-style: chr1-56883495-T-C. GRCh37 (hg19) VCF-style: chr1-57349168-T-C.
Identifiers: ClinVar variation 1653523 (VCV001653523.33), dbSNP rs144315179, ClinGen allele CA875138.

ClinVar aggregate classification (germline): Likely benign. Review status: criteria provided, multiple submitters, no conflicts (2 of 4 stars). 3 submissions from 3 submitters: Likely benign (3). Last evaluated 2025-12-20.

Allele frequency attached by ClinVar (database versions not stated): ESP Exome Variant Server 0.00015; gnomAD exomes 0.00016 and 0.00018; ExAC 0.00017.
gnomAD v4.1: 295 of 1,613,452 alleles (0.018%); highest among the groups gnomAD compares: Non-Finnish European, 0.019%; no homozygotes.

Submissions (3):

Labcorp Genetics (formerly Invitae), Labcorp
Classification: Likely benign. Last evaluated: 2025-12-20. Review status: criteria provided, single submitter. Criteria: Invitae Variant Classification Sherloc (09022015). Collection method: clinical testing. Allele origin: germline.

Blueprint Genetics
Classification: Likely benign. Last evaluated: 2024-10-02. Review status: criteria provided, single submitter. Criteria: ACMG Guidelines, 2015. Collection method: clinical testing. Allele origin: germline.

CeGaT Center for Human Genetics Tuebingen
Classification: Likely benign. Last evaluated: 2023-03-01. Review status: criteria provided, single submitter. Criteria: CeGaT Center For Human Genetics Tuebingen Variant Classification Criteria Version 2. Collection method: clinical testing. Allele origin: germline. Affected: yes. Observed: 1 variant allele.
Comment: C8A: BP4, BP7